The following is an entry in ClinVar:

NM_207361.6(FREM2):c.4538A>G (p.Asp1513Gly)

Gene: FREM2 (FRAS1 related extracellular matrix 2; plus strand). Cytogenetic location: 13q13.3.
Variant type: single nucleotide variant.
Coding change: c.4538A>G on transcript NM_207361.6 (MANE Select); coding-DNA position 4538, A replaced by G.
Protein change: p.Asp1513Gly; replaces aspartic acid 1513 with glycine.
Molecular consequence: missense variant.
Genome position (GRCh38, 1-based): chr13:38,691,882, A>G. VCF-style: chr13-38691882-A-G. GRCh37 (hg19) VCF-style: chr13-39266019-A-G.
Other names: short protein forms D1513G.
Identifiers: ClinVar variation 916634 (VCV000916634.1), dbSNP rs1869886793, ClinGen allele CA387893351.

ClinVar aggregate classification (germline): Likely pathogenic (1 of 4 stars; one submission).

Conditions:
Fraser syndrome 2 (FRASRS2). Identifiers: MedGen C4540036, MONDO:0054738, OMIM 617666.

Submission:

Service de Biochimie Médicale et Biologie Moléculaire, CHU Clermont-Ferrand
Classification: Likely pathogenic for Fraser syndrome 2. Last evaluated: 2018-09-14. Review status: criteria provided, single submitter. Criteria: ACMG Guidelines, 2015. Collection method: clinical testing. Allele origin: inherited. Inheritance: Autosomal recessive inheritance. Affected: yes.
Comment: This variant in homozygous state or compound heterozygous state induced Fraser syndrome phenotype

PM2+PM3+PP3+PP4